The following is an entry in ClinVar:

NM_000535.7(PMS2):c.616C>G (p.Leu206Val)

Gene: PMS2 (PMS1 homolog 2, mismatch repair system component; minus strand). Cytogenetic location: 7p22.1.
Variant type: single nucleotide variant.
Coding change: c.616C>G on transcript NM_000535.7 (MANE Select); coding-DNA position 616, C replaced by G.
Protein change: p.Leu206Val; replaces leucine 206 with valine.
Molecular consequence: missense variant. On other transcripts: 5 prime UTR variant (2), non-coding transcript variant (1), intron variant (1).
Genome position (GRCh38, 1-based): chr7:5,999,197, G>C on the plus strand (C>G on the coding strand, the complement: PMS2 is on the minus strand). VCF-style: chr7-5999197-G-C. GRCh37 (hg19) VCF-style: chr7-6038828-G-C.
Other names: c.211C>G, p.Leu71Val (NM_001018040.1, NM_001322003.2, NM_001322004.2 and 20 more transcripts); c.616C>G, p.Leu206Val (NM_001322006.2, NM_001322014.2, NM_001406870.1 and 4 more transcripts); c.298C>G, p.Leu100Val (NM_001322007.2, NM_001322008.2, NM_001406876.1 and 4 more transcripts); c.-318C>G (NM_001322011.2, NM_001322012.2); c.307C>G, p.Leu103Val (NM_001322015.2, NM_001406875.1, NM_001406877.1 and 6 more transcripts); c.802C>G, p.Leu268Val (NM_001406866.1); c.640C>G, p.Leu214Val (NM_001406868.1); c.280C>G, p.Leu94Val (NM_001406885.1); and 1 more; short protein forms L103V, L268V, L100V, L206V, L71V, L94V, L214V.
Identifiers: ClinVar variation 1751990 (VCV001751990.5), dbSNP rs1784810588, ClinGen allele CA366743977.
Genomic context (GRCh38, chr7:5,999,197, plus strand): 5'-TTTCCTTTATGCTGGGGCTTCCACCTGTGCATACCACAGGCTGTCGTTTTCCTTGTCCAA[G>C]CTGATTGGTGCAACTTACACGGATGCCTGCTGAAATGATACAGTATGCATGTAAGACCTG-3'
Protein context (NP_000526.2, residues 196-216): AGIRVSCTNQ[Leu206Val]GQGKRQPVVC

ClinVar aggregate classification (germline): Conflicting classifications of pathogenicity. Review status: criteria provided, conflicting classifications (1 of 4 stars). 2 submissions from 2 submitters: Uncertain significance (1); Likely benign (1). Last evaluated 2023-08-06.

Conditions:
Hereditary nonpolyposis colorectal neoplasms. Identifiers: MedGen C0009405, MeSH D003123.
Hereditary cancer-predisposing syndrome. Also called: Hereditary Cancer Syndrome; Hereditary neoplastic syndrome; Neoplastic Syndromes, Hereditary; Tumor predisposition. Identifiers: Orphanet 140162, MedGen C0027672, MeSH D009386, MONDO:0015356.

Allele frequency attached by ClinVar (database versions not stated): gnomAD 0.00001.
gnomAD v4.1: 1 of 1,613,890 alleles (0.000062%); highest among the groups gnomAD compares: African/African-American, 0.0013%; no homozygotes.

Submissions (2):

Labcorp Genetics (formerly Invitae), Labcorp
Classification: Uncertain significance for Hereditary nonpolyposis colorectal neoplasms. Last evaluated: 2023-08-06. Review status: criteria provided, single submitter. Criteria: Invitae Variant Classification Sherloc (09022015). Collection method: clinical testing. Allele origin: germline.
Comment: Advanced modeling of protein sequence and biophysical properties (such as structural, functional, and spatial information, amino acid conservation, physicochemical variation, residue mobility, and thermodynamic stability) performed at Invitae indicates that this missense variant is not expected to disrupt PMS2 protein function. In summary, the available evidence is currently insufficient to determine the role of this variant in disease. Therefore, it has been classified as a Variant of Uncertain Significance. Algorithms developed to predict the effect of sequence changes on RNA splicing suggest that this variant may disrupt the consensus splice site. ClinVar contains an entry for this variant (Variation ID: 1751990). This variant has not been reported in the literature in individuals affected with PMS2-related conditions. This variant is not present in population databases (gnomAD no frequency). This sequence change replaces leucine, which is neutral and non-polar, with valine, which is neutral and non-polar, at codon 206 of the PMS2 protein (p.Leu206Val).

Ambry Genetics
Classification: Likely benign for Hereditary cancer-predisposing syndrome. Last evaluated: 2020-07-15. Review status: criteria provided, single submitter. Criteria: Ambry Variant Classification Scheme 2023. Collection method: clinical testing. Allele origin: germline.